The following is an entry in ClinVar:

ClinVar aggregate classification (germline): Likely benign (1 of 4 stars; one submission).

gnomAD v4.1: 10 of 1,613,458 alleles (0.00062%); highest among the groups gnomAD compares: African/African-American, 0.012%; no homozygotes.

Submission:

Women's Health and Genetics/Laboratory Corporation of America, LabCorp
Classification: Likely benign. Last evaluated: 2024-07-29. Review status: criteria provided, single submitter. Criteria: LabCorp Variant Classification Summary - May 2015. Collection method: clinical testing. Allele origin: germline.
Comment: Variant summary: CLCN2 c.2310+15G>A alters a non-conserved nucleotide located at a position not widely known to affect splicing. Consensus agreement among computation tools predict no significant impact on normal splicing. However, these predictions have yet to be confirmed by functional studies. The variant allele was found at a frequency of 8e-06 in 251310 control chromosomes. The available data on variant occurrences in the general population are insufficient to allow any conclusion about variant significance. To our knowledge, no occurrence of c.2310+15G>A in individuals affected with CLCN2-Related Disorders and no experimental evidence demonstrating its impact on protein function have been reported. No submitters have cited clinical-significance assessments for this variant to ClinVar. Based on the evidence outlined above, the variant was classified as likely benign.

NM_004366.6(CLCN2):c.2310+15G>A

Gene: CLCN2 (chloride voltage-gated channel 2; minus strand). Cytogenetic location: 3q27.1.
Variant type: single nucleotide variant.
Coding change: c.2310+15G>A on transcript NM_004366.6 (MANE Select); 15 bases into the intron after coding-DNA position 2310, G replaced by A.
Molecular consequence: intron variant.
Genome position (GRCh38, 1-based): chr3:184,352,278, C>T on the plus strand (G>A on the coding strand, the complement: CLCN2 is on the minus strand). VCF-style: chr3-184352278-C-T. GRCh37 (hg19) VCF-style: chr3-184070066-C-T.
Other names: c.2178+15G>A (NM_001171088.3); c.2259+15G>A (NM_001171087.3); c.2310+15G>A (NM_001171089.3).
Identifiers: ClinVar variation 3339276 (VCV003339276.1).